The following is an entry in ClinVar:

ClinVar aggregate classification (germline): Likely benign (1 of 4 stars; one submission).

Allele frequency attached by ClinVar (database versions not stated): TOPMed 0.00974; 1000 Genomes Project 0.01118; 1000 Genomes Project 30x 0.01280.
gnomAD v4.1: 2,644 of 1,518,048 alleles (0.17%); highest among the groups gnomAD compares: African/African-American, 3.3%; 46 homozygotes.

Submission:

GeneDx
Classification: Likely benign. Last evaluated: 2018-09-11. Review status: criteria provided, single submitter. Criteria: GeneDx Variant Classification Process June 2021. Collection method: clinical testing. Allele origin: germline. Affected: yes.
Comment: See Variant Classification Assertion Criteria.

NM_001351132.2(PEX5):c.753+92T>C

Gene: PEX5 (peroxisomal biogenesis factor 5; plus strand). Cytogenetic location: 12p13.31.
Variant type: single nucleotide variant.
Coding change: c.753+92T>C on transcript NM_001351132.2 (MANE Select); 92 bases into the intron after coding-DNA position 753, T replaced by C.
Molecular consequence: intron variant.
Genome position (GRCh38, 1-based): chr12:7,202,443, T>C. VCF-style: chr12-7202443-T-C. GRCh37 (hg19) VCF-style: chr12-7355039-T-C.
Other names: c.643-169T>C (NM_001351124.3, NM_001351126.2, NM_001374646.1 and 10 more transcripts); c.753+92T>C (NM_001131026.2, NM_001351131.2, NM_001374647.2 and 6 more transcripts); c.688-169T>C (NM_001351135.3, NM_001351138.2); c.798+92T>C (NM_001131023.2).
Identifiers: ClinVar variation 1707112 (VCV001707112.2), dbSNP rs74057855, ClinGen allele CA232471392.
Genomic context (GRCh38, chr12:7,202,443, plus strand): 5'-AGAGCCAGCTGATGCCCCAGGCCATGGGTTCAGTGGTCAGTGGTCCCAGATGGGGAAGGA[T>C]AAGACCAGCTTGTCTTGATAGCATCCAGGTCCCAAGTGGGTGGGAAAGAGATTCTGAGAA-3'